The following is an entry in ClinVar:

NM_004656.4(BAP1):c.273del (p.Cys91fs)

Gene: BAP1 (BRCA1 associated deubiquitinase 1; minus strand). Cytogenetic location: 3p21.1.
Variant type: Deletion.
Coding change: c.273del on transcript NM_004656.4 (MANE Select); coding-DNA position 273, one base deleted (T; older notation c.273delT).
Protein change: p.Cys91fs; shifts the reading frame from cysteine 91.
Molecular consequence: frameshift variant.
Genome position (GRCh38, 1-based): chr3:52,408,060, A deleted on the plus strand (T on the coding strand, the reverse complement: BAP1 is on the minus strand). VCF-style (leftmost placement, unchanged base first): chr3-52408059-CA-C. GRCh37 (hg19) VCF-style: chr3-52442075-CA-C.
Other names: c.273delT, p.Cys91Trpfs (NM_001410772.1); short protein forms C91fs.
Identifiers: ClinVar variation 2112790 (VCV002112790.4), dbSNP rs2471355280, ClinGen allele CA2580070303.
Genomic context (GRCh38, chr3:52,408,059, plus strand): 5'-GGGTGGGTCCCAGGTCCACGCTGCTGCAGTTCAGGAGCACGCTCAGCAAGGCATGAGTTG[CA>C]CAAGAGTTGGGTATCAGCTGTGAAACCAAGAATAGTCACCCATACACAGCACCCCTCACT-3'

ClinVar aggregate classification (germline): Pathogenic (1 of 4 stars; one submission).

Conditions:
BAP1-related tumor predisposition syndrome (TPDS1). Also called: Tumor susceptibility linked to germline BAP1 mutations; COMMON Syndrome; TUMOR PREDISPOSITION SYNDROME 1; BAP1 tumor predisposition syndrome. Identifiers: Orphanet 289539, MedGen C3280492, MONDO:0013692, OMIM 614327.

Submission:

Labcorp Genetics (formerly Invitae), Labcorp
Classification: Pathogenic for BAP1-related tumor predisposition syndrome. Last evaluated: 2022-03-15. Review status: criteria provided, single submitter. Criteria: Invitae Variant Classification Sherloc (09022015). Collection method: clinical testing. Allele origin: germline.
Comment: For these reasons, this variant has been classified as Pathogenic. This variant has not been reported in the literature in individuals affected with BAP1-related conditions. This variant is not present in population databases (gnomAD no frequency). This sequence change creates a premature translational stop signal (p.Cys91Trpfs*7) in the BAP1 gene. It is expected to result in an absent or disrupted protein product. Loss-of-function variants in BAP1 are known to be pathogenic (PMID: 21874000, 23684012).

Literature cited by the submitters: PubMed 21874000; PubMed 23684012.